The following is an entry in ClinVar:

ClinVar aggregate classification (germline): Uncertain significance (1 of 4 stars; one submission).

Allele frequency attached by ClinVar (database versions not stated): ExAC 0.00001; TOPMed 0.00003.
gnomAD v4.1: 23 of 1,612,754 alleles (0.0014%); highest among the groups gnomAD compares: East Asian, 0.0045%; no homozygotes.

Submission:

Labcorp Genetics (formerly Invitae), Labcorp
Classification: Uncertain significance. Last evaluated: 2025-12-26. Review status: criteria provided, single submitter. Criteria: Invitae Variant Classification Sherloc (09022015). Collection method: clinical testing. Allele origin: germline.
Comment: This sequence change replaces alanine, which is neutral and non-polar, with valine, which is neutral and non-polar, at codon 438 of the ZCCHC8 protein (p.Ala438Val). This variant is present in population databases (rs776584825, gnomAD 0.04%). This variant has not been reported in the literature in individuals affected with ZCCHC8-related conditions. ClinVar contains an entry for this variant (Variation ID: 1985634). Invitae Evidence Modeling of protein sequence and biophysical properties (such as structural, functional, and spatial information, amino acid conservation, physicochemical variation, residue mobility, and thermodynamic stability) indicates that this missense variant is not expected to disrupt ZCCHC8 protein function with a negative predictive value of 80%. In summary, the available evidence is currently insufficient to determine the role of this variant in disease. Therefore, it has been classified as a Variant of Uncertain Significance.

NM_017612.5(ZCCHC8):c.1313C>T (p.Ala438Val)

Gene: ZCCHC8 (zinc finger CCHC-type containing 8; minus strand). Cytogenetic location: 12q24.31.
Variant type: single nucleotide variant.
Coding change: c.1313C>T on transcript NM_017612.5 (MANE Select); coding-DNA position 1313, C replaced by T.
Protein change: p.Ala438Val; replaces alanine 438 with valine.
Molecular consequence: missense variant.
Genome position (GRCh38, 1-based): chr12:122,477,873, G>A on the plus strand (C>T on the coding strand, the complement: ZCCHC8 is on the minus strand). VCF-style: chr12-122477873-G-A. GRCh37 (hg19) VCF-style: chr12-122962420-G-A.
Other names: c.1082C>T, p.Ala361Val (NM_001350935.2); c.1016C>T, p.Ala339Val (NM_001350936.2); c.599C>T, p.Ala200Val (NM_001350937.2, NM_001350938.2); short protein forms A200V, A438V, A339V, A361V.
Identifiers: ClinVar variation 1985634 (VCV001985634.4), dbSNP rs776584825, ClinGen allele CA6846223.